The following is an entry in ClinVar:

NM_000548.5(TSC2):c.490G>C (p.Val164Leu)

Gene: TSC2 (TSC complex subunit 2; plus strand). Cytogenetic location: 16p13.3.
Variant type: single nucleotide variant.
Coding change: c.490G>C on transcript NM_000548.5 (MANE Select); coding-DNA position 490, G replaced by C.
Protein change: p.Val164Leu; replaces valine 164 with leucine.
Molecular consequence: missense variant. On other transcripts: 5 prime UTR variant (13), non-coding transcript variant (5), intron variant (7).
Genome position (GRCh38, 1-based): chr16:2,055,410, G>C. VCF-style: chr16-2055410-G-C. GRCh37 (hg19) VCF-style: chr16-2105411-G-C.
Other names: c.490G>C, p.Val164Leu (NM_001406665.1, NM_001406671.1, NM_001406673.1 and 8 more transcripts); c.580G>C, p.Val194Leu (NM_001406667.1, NM_001406668.1); c.379G>C, p.Val127Leu (NM_001406670.1, NM_001406678.1, NM_001318827.2); c.343G>C, p.Val115Leu (NM_001406675.1, NM_001406676.1, NM_001406679.1 and 1 more transcripts); c.433G>C, p.Val145Leu (NM_001406677.1); c.-327G>C (NM_001406680.1, NM_001406683.1, NM_001406687.1); c.-942G>C (NM_001406689.1, NM_001406690.1, NM_001406691.1 and 2 more transcripts); c.-1158G>C (NM_001406693.1); and 6 more; short protein forms V115L, V175L, V145L, V194L, V127L, V164L.
Identifiers: ClinVar variation 3811368 (VCV003811368.1).
Genomic context (GRCh38, chr16:2,055,410, plus strand): 5'-GTGGGAGATGTAGATTCGGCGTCCTCGCAAACTGCCGCCGCTTCTCCCCCAGCTGACTTT[G>C]TCCTGCAGTGGATGGATGTTGGCTTGTCCTCGGAATTCCTTCTGGTGCTGGTGAACTTGG-3'
Protein context (NP_000539.2, residues 154-174): TYLEEELADF[Val164Leu]LQWMDVGLSS

ClinVar aggregate classification (germline): Uncertain significance (1 of 4 stars; one submission).

Conditions:
Hereditary cancer-predisposing syndrome. Also called: Hereditary neoplastic syndrome; Neoplastic Syndromes, Hereditary; Tumor predisposition; Hereditary Cancer Syndrome. Identifiers: Orphanet 140162, MedGen C0027672, MeSH D009386, MONDO:0015356.

gnomAD v4.1: 2 of 1,614,220 alleles (0.00012%); highest among the groups gnomAD compares: Non-Finnish European, 0.00017%; no homozygotes.

Submission:

Ambry Genetics
Classification: Uncertain significance for Hereditary cancer-predisposing syndrome. Last evaluated: 2025-02-28. Review status: criteria provided, single submitter. Criteria: Ambry Variant Classification Scheme 2023. Collection method: clinical testing. Allele origin: germline.
Comment: The p.V164L variant (also known as c.490G>C), located in coding exon 5 of the TSC2 gene, results from a G to C substitution at nucleotide position 490. The valine at codon 164 is replaced by leucine, an amino acid with highly similar properties. This amino acid position is conserved. In addition, the in silico prediction for this alteration is inconclusive. Based on the available evidence, the clinical significance of this variant remains unclear.